The following is an entry in ClinVar:

NM_018230.3(NUP133):c.2915G>A (p.Gly972Asp)

Gene: NUP133 (nucleoporin 133; minus strand). Cytogenetic location: 1q42.13.
Variant type: single nucleotide variant.
Coding change: c.2915G>A on transcript NM_018230.3 (MANE Select); coding-DNA position 2915, G replaced by A.
Protein change: p.Gly972Asp; replaces glycine 972 with aspartic acid.
Molecular consequence: missense variant.
Genome position (GRCh38, 1-based): chr1:229,458,226, C>T on the plus strand (G>A on the coding strand, the complement: NUP133 is on the minus strand). VCF-style: chr1-229458226-C-T. GRCh37 (hg19) VCF-style: chr1-229593973-C-T.
Other names: short protein forms G972D.
Identifiers: ClinVar variation 4849866 (VCV004849866.1).

ClinVar aggregate classification (germline): Uncertain significance (1 of 4 stars; one submission).

Conditions:
Nephrotic syndrome, type 18. Identifiers: MedGen C4748549, MONDO:0032581, OMIM 618177.

Submission:

Egypt Genome Project
Classification: Uncertain significance for Nephrotic syndrome, type 18. Last evaluated: 2026-02-01. Review status: criteria provided, single submitter. Criteria: ACMG Guidelines, 2015. Collection method: research. Allele origin: germline. Affected: yes.
Comment: The NM_018230.2 c.2915G>A is classified as Variant of uncertain significance based on the AMCG/AMP criteria (PM2, PM3-supporting, PP4, PP3)